The following is an entry in ClinVar:

NM_002294.3(LAMP2):c.929-9T>C

Gene: LAMP2 (lysosome associated membrane protein 2; minus strand). Cytogenetic location: Xq24.
Variant type: single nucleotide variant.
Coding change: c.929-9T>C on transcript NM_002294.3 (MANE Select); 9 bases into the intron before coding-DNA position 929, T replaced by C.
Molecular consequence: intron variant.
Genome position (GRCh38, 1-based): chrX:120,441,903, A>G on the plus strand (T>C on the coding strand, the complement: LAMP2 is on the minus strand). VCF-style: chrX-120441903-A-G. GRCh37 (hg19) VCF-style: chrX-119575758-A-G.
Other names: c.929-9T>C (NM_002294.2, NM_001122606.1, NM_013995.2).
Identifiers: ClinVar variation 1154969 (VCV001154969.10), dbSNP rs978513368, ClinGen allele CA335013109.
Genomic context (GRCh38, chrX:120,441,903, plus strand): 5'-CTTCCCAGGGGGGCATCCCAGTAGCTGAGATTGTTATTTGCAATGCTGAAAACTTCAAAG[A>G]AAAGAAACAGGTTAGTAACTTCTTATCCTATCAACATCAAAAATGGGAAAGTTGGCCAGG-3'

ClinVar aggregate classification (germline): Likely benign. Review status: criteria provided, multiple submitters, no conflicts (2 of 4 stars). 2 submissions from 2 submitters: Likely benign (2). Last evaluated 2025-12-03.

Conditions:
LAMP2-related disorder. Also called: LAMP2-related condition.
Danon disease. Also called: Glycogen Storage Disease Type IIb; GSD IIb; LYSOSOMAL GLYCOGEN STORAGE DISEASE WITHOUT ACID MALTASE DEFICIENCY; ANTOPOL DISEASE; PSEUDOGLYCOGENOSIS II. Identifiers: Orphanet 34587, MedGen C0878677, MONDO:0010281, OMIM 300257.

Allele frequency attached by ClinVar (database versions not stated): gnomAD exomes 0.00001; gnomAD 0.00002; TOPMed 0.00002.
gnomAD v4.1: 15 of 1,201,955 alleles (0.0012%); highest among the groups gnomAD compares: Non-Finnish European, 0.0017%; no homozygotes.

Submissions (2):

PreventionGenetics, part of Exact Sciences
Classification: Likely benign for LAMP2-related condition. Last evaluated: 2025-12-03. Review status: criteria provided, single submitter. Criteria: ACMG Guidelines, 2015. Collection method: clinical testing. Allele origin: germline.
Comment: This variant is classified as likely benign based on ACMG/AMP sequence variant interpretation guidelines (Richards et al. 2015 PMID: 25741868, with internal and published modifications).

Labcorp Genetics (formerly Invitae), Labcorp
Classification: Likely benign for Danon disease. Last evaluated: 2025-06-27. Review status: criteria provided, single submitter. Criteria: Invitae Variant Classification Sherloc (09022015). Collection method: clinical testing. Allele origin: germline.